The following is an entry in ClinVar:

NM_000321.3(RB1):c.1331_1332dup (p.Arg445fs)

Gene: RB1 (RB transcriptional corepressor 1; plus strand). Cytogenetic location: 13q14.2.
Variant type: Duplication.
Coding change: c.1331_1332dup on transcript NM_000321.3 (MANE Select); coding-DNA positions 1331 to 1332, 2 bases duplicated (AG; older notation c.1331_1332dupAG).
Protein change: p.Arg445fs; shifts the reading frame from arginine 445.
Molecular consequence: frameshift variant.
Genome position (GRCh38, 1-based): chr13:48,377,033-48,377,034, AG duplicated. VCF-style (leftmost placement, unchanged base first): chr13-48377032-C-CAG. GRCh37 (hg19) VCF-style: chr13-48951168-C-CAG.
Other names: short protein forms R445fs.
Identifiers: ClinVar variation 662634 (VCV000662634.2), dbSNP rs1593454115, ClinGen allele CA915948553.

ClinVar aggregate classification (germline): Pathogenic (1 of 4 stars; one submission).

Conditions:
Retinoblastoma (RB1). Also called: RETINOBLASTOMA, SOMATIC. Identifiers: Orphanet 790, MedGen C0035335, MeSH D012175, MONDO:0008380, OMIM 180200, HP:0009919. Disease mechanism: loss of function. Inheritance: Both sporadic and heritable forms are tested..

Submission:

Labcorp Genetics (formerly Invitae), Labcorp
Classification: Pathogenic for Retinoblastoma. Last evaluated: 2018-12-17. Review status: criteria provided, single submitter. Criteria: Invitae Variant Classification Sherloc (09022015). Collection method: clinical testing. Allele origin: germline.
Comment: This sequence change creates a premature translational stop signal (p.Arg445Serfs*13) in the RB1 gene. It is expected to result in an absent or disrupted protein product. This variant is not present in population databases (ExAC no frequency). This variant has not been reported in the literature in individuals with RB1-related conditions. Loss-of-function variants in RB1 are known to be pathogenic (PMID: 17096365). For these reasons, this variant has been classified as Pathogenic.

Literature cited by the submitters: PubMed 17096365.